The following is an entry in ClinVar:

NM_001369268.1(ACAN):c.4339G>T (p.Glu1447Ter)

Gene: ACAN (aggrecan; plus strand). Cytogenetic location: 15q26.1.
Variant type: single nucleotide variant.
Coding change: c.4339G>T on transcript NM_001369268.1 (MANE Select); coding-DNA position 4339, G replaced by T.
Protein change: p.Glu1447Ter; replaces glutamic acid 1447 with a stop codon.
Molecular consequence: nonsense.
Genome position (GRCh38, 1-based): chr15:88,856,924, G>T. VCF-style: chr15-88856924-G-T. GRCh37 (hg19) VCF-style: chr15-89400155-G-T.
Other names: NP_001356197.1:p.(E1447Ter); c.4339G>T, p.Glu1447Ter (NM_001135.4, NM_001411096.1, NM_001411097.1 and 1 more transcripts); short protein forms E1447*.
Identifiers: ClinVar variation 4820209 (VCV004820209.1).
Genomic context (GRCh38, chr15:88,856,924, plus strand): 5'-GATGAGATCAGTGGGCTTCCTTCTGGAGAAGTTCTAGAGACTACTGCCCCTGGAGTAGAG[G>T]AGATCAGCGGGCTTCCTTCTGGAGAAGTTCTAGAGACTTCTACCTCTGCGGTAGGGGACC-3'

ClinVar aggregate classification (germline): Likely pathogenic (1 of 4 stars; one submission).

Conditions:
ACAN-related short stature spectrum. Identifiers: MedGen CN379890, MONDO:1060149.

Submission:

Centro de Investigaciones Endocrinológicas “Dr. César Bergadá” (CEDIE), Unidad de Investigacion Traslacional (UIT), Hospital de Niños Dr. Ricardo Gutiérrez
Classification: Likely pathogenic for ACAN-related short stature spectrum. Last evaluated: 2026-04-08. Review status: criteria provided, single submitter. Criteria: Institutional Variant Interpretation Framework ClinVar CEDIE Version 1. Collection method: clinical testing. Allele origin: germline. Affected: yes. Observed: 2 variant alleles.
Comment: The variant NM_001369268.1:c.4339G>T, located in ACAN exon 12, creates a premature stop codon (nonsense variant). Bioinformatic analysis performed with AutoPVS1 software predicts mARN degradation by nonsense mediated decay (PVS1). The variant is absent in population databases (GnomAD, v4.1; PM2_supp). It has not been reported previously in the literature or in other available variant databases (ClinVar, HGMD, LOVD, OMIM). Loss-of-function variants causing haploinsufficiency of ACAN are known to be associated with ACAN-related short stature spectrum. ClinGen Skeletal Disorders Gene Curation Expert Panel has established that there is definitive evidence supporting the relationship between ACAN and autosomal semidominant ACAN-related short stature spectrum (MONDO:1060149). In summary, the available evidence supports the classification of this variant as Probably pathogenic (PM2_supporting, PVS1) according to ACMG criteria and the recommendations of the ClinGen Sequence Variant Interpretation Working Group (SVI WG).